The following is an entry in ClinVar:

NM_004855.5(PIGB):c.25G>A (p.Gly9Arg)

Genes: PIGB (phosphatidylinositol glycan anchor biosynthesis class B; plus strand), LOC130057104 (ATAC-STARR-seq lymphoblastoid active region 9443; plus strand). Cytogenetic location: 15q21.3.
Variant type: single nucleotide variant.
Coding change: c.25G>A on transcript NM_004855.5 (MANE Select); coding-DNA position 25, G replaced by A.
Protein change: p.Gly9Arg; replaces glycine 9 with arginine.
Molecular consequence: missense variant.
Genome position (GRCh38, 1-based): chr15:55,319,275, G>A. VCF-style: chr15-55319275-G-A. GRCh37 (hg19) VCF-style: chr15-55611473-G-A.
Other names: short protein forms G9R.
Identifiers: ClinVar variation 2504134 (VCV002504134.2), dbSNP rs1283454985, ClinGen allele CA392540841.

ClinVar aggregate classification (germline): Uncertain significance (1 of 4 stars; one submission).

Allele frequency attached by ClinVar (database versions not stated): gnomAD 0.00001; TOPMed 0.00001; gnomAD exomes 0.00002.
gnomAD v4.1: 22 of 1,607,264 alleles (0.0014%); highest among the groups gnomAD compares: Admixed American, 0.0085%; no homozygotes.

Submission:

Centre of Medical Genetics, University Hospital Muenster
Classification: Uncertain significance. Last evaluated: 2023-03-01. Review status: criteria provided, single submitter. Criteria: ACMG Guidelines, 2015. Collection method: clinical testing. Allele origin: unknown. Affected: yes. Observed: 1 variant allele, 1 heterozygote.
Comment: ACMG categories: PM2,PP2,BP4